The following is an entry in ClinVar:

ClinVar aggregate classification (germline): Uncertain significance (1 of 4 stars; one submission).

Allele frequency attached by ClinVar (database versions not stated): gnomAD 0.00001 and 0.00002; TOPMed 0.00003; gnomAD exomes 0.00004 and 0.00006; ExAC 0.00008; ESP Exome Variant Server 0.00008.
gnomAD v4.1: 58 of 1,613,994 alleles (0.0036%); highest among the groups gnomAD compares: East Asian, 0.0045%; no homozygotes.

Submission:

Labcorp Genetics (formerly Invitae), Labcorp
Classification: Uncertain significance. Last evaluated: 2025-08-28. Review status: criteria provided, single submitter. Criteria: Invitae Variant Classification Sherloc (09022015). Collection method: clinical testing. Allele origin: germline.
Comment: This sequence change replaces arginine, which is basic and polar, with histidine, which is basic and polar, at codon 538 of the LAMB1 protein (p.Arg538His). This variant is present in population databases (rs138019069, gnomAD 0.01%). This variant has not been reported in the literature in individuals affected with LAMB1-related conditions. ClinVar contains an entry for this variant (Variation ID: 1374680). An algorithm developed to predict the effect of missense changes on protein structure and function (PolyPhen-2) suggests that this variant is likely to be tolerated. In summary, the available evidence is currently insufficient to determine the role of this variant in disease. Therefore, it has been classified as a Variant of Uncertain Significance.

NM_002291.3(LAMB1):c.1613G>A (p.Arg538His)

Gene: LAMB1 (laminin subunit beta 1; minus strand). Cytogenetic location: 7q31.1.
Variant type: single nucleotide variant.
Coding change: c.1613G>A on transcript NM_002291.3 (MANE Select); coding-DNA position 1613, G replaced by A.
Protein change: p.Arg538His; replaces arginine 538 with histidine.
Molecular consequence: missense variant.
Genome position (GRCh38, 1-based): chr7:107,964,637, C>T on the plus strand (G>A on the coding strand, the complement: LAMB1 is on the minus strand). VCF-style: chr7-107964637-C-T. GRCh37 (hg19) VCF-style: chr7-107605082-C-T.
Other names: short protein forms R538H.
Identifiers: ClinVar variation 1374680 (VCV001374680.6), dbSNP rs138019069, ClinGen allele CA4435954.